The following is an entry in ClinVar:

ClinVar aggregate classification (germline): Uncertain significance (1 of 4 stars; one submission).

Conditions:
Amyotrophic lateral sclerosis type 1 (ALS1). Also called: AMYOTROPHIC LATERAL SCLEROSIS 1, FAMILIAL. Identifiers: Orphanet 803, MedGen C1862939, MONDO:0007103, OMIM 105400.
Neuronopathy, distal hereditary motor, type 7B. Also called: NEURONOPATHY, DISTAL HEREDITARY MOTOR, AUTOSOMAL DOMINANT 14; NEURONOPATHY, DISTAL HEREDITARY MOTOR, HARDING TYPE VIIB; NEUROPATHY, DISTAL HEREDITARY MOTOR, HARDING TYPE VIIB; NEUROPATHY, DISTAL HEREDITARY MOTOR, WITH VOCAL CORD PARALYSIS, HARDING TYPE VIIB; Distal Hereditary Motor Neuronopathy Type 7B (dHMN7B); HMN VIIB. Identifiers: Orphanet 139589, MedGen C1843315, MONDO:0011879, OMIM 607641.
Perry syndrome. Also called: PARKINSONISM WITH ALVEOLAR HYPOVENTILATION AND MENTAL DEPRESSION. Identifiers: Orphanet 178509, MedGen C1868594, MONDO:0008201, OMIM 168605.

Submission:

Labcorp Genetics (formerly Invitae), Labcorp
Classification: Uncertain significance for Amyotrophic lateral sclerosis type 1; Neuronopathy, distal hereditary motor, type 7B; Perry syndrome. Last evaluated: 2025-11-16. Review status: criteria provided, single submitter. Criteria: Invitae Variant Classification Sherloc (09022015). Collection method: clinical testing. Allele origin: germline.
Comment: This sequence change replaces valine, which is neutral and non-polar, with alanine, which is neutral and non-polar, at codon 8 of the DCTN1 protein (p.Val8Ala). This variant is not present in population databases (gnomAD no frequency). This variant has not been reported in the literature in individuals affected with DCTN1-related conditions. Invitae Evidence Modeling of protein sequence and biophysical properties (such as structural, functional, and spatial information, amino acid conservation, physicochemical variation, residue mobility, and thermodynamic stability) indicates that this missense variant is not expected to disrupt DCTN1 protein function with a negative predictive value of 95%. In summary, the available evidence is currently insufficient to determine the role of this variant in disease. Therefore, it has been classified as a Variant of Uncertain Significance.

NM_004082.5(DCTN1):c.23T>C (p.Val8Ala)

Gene: DCTN1 (dynactin subunit 1; minus strand). Cytogenetic location: 2p13.1.
Variant type: single nucleotide variant.
Coding change: c.23T>C on transcript NM_004082.5 (MANE Select); coding-DNA position 23, T replaced by C.
Protein change: p.Val8Ala; replaces valine 8 with alanine.
Molecular consequence: missense variant. On other transcripts: intron variant (3).
Genome position (GRCh38, 1-based): chr2:74,380,015, A>G on the plus strand (T>C on the coding strand, the complement: DCTN1 is on the minus strand). VCF-style: chr2-74380015-A-G. GRCh37 (hg19) VCF-style: chr2-74607142-A-G.
Other names: c.23T>C, p.Val8Ala (NM_001135040.3, NM_001190837.2); c.-18-1770T>C (NM_001190836.2, NM_001378992.1, NM_001378991.1); short protein forms V8A.
Identifiers: ClinVar variation 4783541 (VCV004783541.1).